The following is an entry in ClinVar:

ClinVar aggregate classification (germline): Likely benign. Review status: criteria provided, multiple submitters, no conflicts (2 of 4 stars). 3 submissions from 3 submitters: Likely benign (3). Last evaluated 2026-02-24.

Conditions:
SCLT1-related disorder. Also called: SCLT1-related condition.

gnomAD v4.1: 29 of 1,613,012 alleles (0.0018%); highest among the groups gnomAD compares: Non-Finnish European, 0.0025%; no homozygotes.

Submissions (3):

PreventionGenetics, part of Exact Sciences
Classification: Likely benign for SCLT1-related condition. Last evaluated: 2026-02-24. Review status: criteria provided, single submitter. Criteria: ACMG Guidelines, 2015. Collection method: clinical testing. Allele origin: germline.
Comment: This variant is classified as likely benign based on ACMG/AMP sequence variant interpretation guidelines (Richards et al. 2015 PMID: 25741868, with internal and published modifications).

Labcorp Genetics (formerly Invitae), Labcorp
Classification: Likely benign. Last evaluated: 2025-02-13. Review status: criteria provided, single submitter. Criteria: Invitae Variant Classification Sherloc (09022015). Collection method: clinical testing. Allele origin: germline.

Blueprint Genetics
Classification: Likely benign. Last evaluated: 2024-08-19. Review status: criteria provided, single submitter. Criteria: ACMG Guidelines, 2015. Collection method: clinical testing. Allele origin: germline.

NM_144643.4(SCLT1):c.1872T>G (p.Leu624=)

Gene: SCLT1 (sodium channel and clathrin linker 1; minus strand). Cytogenetic location: 4q28.2.
Variant type: single nucleotide variant.
Coding change: c.1872T>G on transcript NM_144643.4 (MANE Select); coding-DNA position 1872, T replaced by G.
Protein change: p.Leu624=; no amino-acid change (leucine 624 retained).
Molecular consequence: synonymous variant.
Genome position (GRCh38, 1-based): chr4:128,891,095, A>C on the plus strand (T>G on the coding strand, the complement: SCLT1 is on the minus strand). VCF-style: chr4-128891095-A-C. GRCh37 (hg19) VCF-style: chr4-129812250-A-C.
Other names: c.1872T>G (NM_144643.3).
Identifiers: ClinVar variation 3716533 (VCV003716533.4).